The following is an entry in ClinVar:

ClinVar aggregate classification (germline): Uncertain significance. Review status: criteria provided, multiple submitters, no conflicts (2 of 4 stars). 3 submissions from 3 submitters: Uncertain significance (3). Last evaluated 2024-09-19.

Conditions:
Congenital stationary night blindness 1C. Also called: Night blindness, congenital stationary (complete), 1C, autosomal recessive. Identifiers: Orphanet 215, MedGen C2750747, MONDO:0013183, OMIM 613216.

Allele frequency attached by ClinVar (database versions not stated): gnomAD exomes 0.00004 and 0.00006; TOPMed 0.00004; ExAC 0.00005; gnomAD 0.00006.

Submissions (3):

Blueprint Genetics
Classification: Uncertain significance. Last evaluated: 2024-09-19. Review status: criteria provided, single submitter. Criteria: ACMG Guidelines, 2015. Collection method: clinical testing. Allele origin: germline.

Labcorp Genetics (formerly Invitae), Labcorp
Classification: Uncertain significance. Last evaluated: 2022-09-01. Review status: criteria provided, single submitter. Criteria: Invitae Variant Classification Sherloc (09022015). Collection method: clinical testing. Allele origin: germline.
Comment: Algorithms developed to predict the effect of missense changes on protein structure and function are either unavailable or do not agree on the potential impact of this missense change (SIFT: "Deleterious"; PolyPhen-2: "Probably Damaging"; Align-GVGD: "Class C0"). ClinVar contains an entry for this variant (Variation ID: 886332). This variant has not been reported in the literature in individuals affected with TRPM1-related conditions. This variant is present in population databases (rs771644561, gnomAD 0.02%). This sequence change replaces arginine, which is basic and polar, with histidine, which is basic and polar, at codon 941 of the TRPM1 protein (p.Arg941His). In summary, the available evidence is currently insufficient to determine the role of this variant in disease. Therefore, it has been classified as a Variant of Uncertain Significance.

Illumina Laboratory Services, Illumina
Classification: Uncertain significance for Congenital stationary night blindness 1C. Last evaluated: 2018-01-13. Review status: criteria provided, single submitter. Criteria: ICSL Variant Classification Criteria 13 December 2019. Collection method: clinical testing. Allele origin: germline.

NM_001252024.2(TRPM1):c.2888G>A (p.Arg963His)

Genes: TRPM1 (transient receptor potential cation channel subfamily M member 1; minus strand), TRPM1-AS1 (TRPM1 antisense RNA 1; plus strand). Cytogenetic location: 15q13.3.
Variant type: single nucleotide variant.
Coding change: c.2888G>A on transcript NM_001252024.2 (MANE Select); coding-DNA position 2888, G replaced by A.
Protein change: p.Arg963His; replaces arginine 963 with histidine.
Molecular consequence: missense variant.
Genome position (GRCh38, 1-based): chr15:31,032,753, C>T on the plus strand (G>A on the coding strand, the complement: TRPM1 is on the minus strand). VCF-style: chr15-31032753-C-T. GRCh37 (hg19) VCF-style: chr15-31324956-C-T.
Other names: c.2939G>A, p.Arg980His (NM_001252020.2); c.2822G>A, p.Arg941His (NM_002420.6); short protein forms R963H, R980H, R941H.
Identifiers: ClinVar variation 886332 (VCV000886332.9), dbSNP rs771644561, ClinGen allele CA7452049.